The following is an entry in ClinVar:

NC_000023.10:g.(?_32305626)_(32430050_?)del

Gene: DMD (dystrophin; minus strand). Cytogenetic location: Xp21.1.
Variant type: Deletion.
Identifiers: ClinVar variation 2424909 (VCV002424909.5).

ClinVar aggregate classification (germline): Pathogenic (1 of 4 stars; one submission).

Conditions:
Duchenne muscular dystrophy (DMD). Also called: Duchenne Muscular Dystrophy (DMD); MUSCULAR DYSTROPHY, PSEUDOHYPERTROPHIC PROGRESSIVE, DUCHENNE TYPE. Identifiers: Orphanet 98896, MedGen C0013264, MONDO:0010679, OMIM 310200.

Submission:

Labcorp Genetics (formerly Invitae), Labcorp
Classification: Pathogenic for Duchenne muscular dystrophy. Last evaluated: 2024-01-18. Review status: criteria provided, single submitter. Criteria: Invitae Variant Classification Sherloc (09022015). Collection method: clinical testing. Allele origin: germline.
Comment: This variant is a gross deletion of the genomic region encompassing exon(s) 30-43 of the DMD gene. This deletion is out-of-frame, and is expected to create a premature termination codon and result in an absent or disrupted protein product. Loss-of-function variants in DMD are known to be pathogenic (PMID: 16770791, 25007885). A similar copy number variant has been observed in individual(s) with Duchenne muscular dystrophy (PMID: 19449433). For these reasons, this variant has been classified as Pathogenic.

Literature cited by the submitters: PubMed 16770791; PubMed 25007885; PubMed 19449433.